The following is an entry in ClinVar:

NM_005732.4(RAD50):c.2548C>T (p.Arg850Cys)

Gene: RAD50 (RAD50 double strand break repair protein; plus strand). Cytogenetic location: 5q31.1.
Variant type: single nucleotide variant.
Coding change: c.2548C>T on transcript NM_005732.4 (MANE Select); coding-DNA position 2548, C replaced by T.
Protein change: p.Arg850Cys; replaces arginine 850 with cysteine.
Molecular consequence: missense variant.
Genome position (GRCh38, 1-based): chr5:132,604,829, C>T. VCF-style: chr5-132604829-C-T. GRCh37 (hg19) VCF-style: chr5-131940521-C-T.
Other names: p.R850C:CGT>TGT; short protein forms R850C.
Identifiers: ClinVar variation 128006 (VCV000128006.35), dbSNP rs181961360, ClinGen allele CA288201.

ClinVar aggregate classification (germline): Conflicting classifications of pathogenicity. Review status: criteria provided, conflicting classifications (1 of 4 stars). 10 submissions from 10 submitters: Uncertain significance (4); Likely benign (5). 1 of the submissions does not count toward it. Last evaluated 2025-11-17.

Conditions:
RAD50-related disorder. Also called: RAD50-related condition.
Hereditary cancer-predisposing syndrome. Also called: Tumor predisposition; Hereditary neoplastic syndrome; Neoplastic Syndromes, Hereditary; Hereditary Cancer Syndrome. Identifiers: Orphanet 140162, MedGen C0027672, MeSH D009386, MONDO:0015356.
Nijmegen breakage syndrome-like disorder (NBSLD). Also called: MICROCEPHALY AND SPONTANEOUS CHROMOSOME INSTABILITY WITHOUT IMMUNODEFICIENCY; NBS-LIKE DISORDER; RAD50 DEFICIENCY. Identifiers: Orphanet 240760, MedGen C2751318, MONDO:0013118, OMIM 613078.

Allele frequency attached by ClinVar (database versions not stated): gnomAD 0.00010; TOPMed 0.00010; gnomAD exomes 0.00028; ExAC 0.00029; 1000 Genomes Project 0.00120; 1000 Genomes Project 30x 0.00125.
gnomAD v4.1: 191 of 1,611,912 alleles (0.012%); highest among the groups gnomAD compares: Admixed American, 0.15%; 1 homozygote.

Submissions (10):

Labcorp Genetics (formerly Invitae), Labcorp
Classification: Likely benign for Hereditary cancer-predisposing syndrome. Last evaluated: 2025-11-17. Review status: criteria provided, single submitter. Criteria: Invitae Variant Classification Sherloc (09022015). Collection method: clinical testing. Allele origin: germline.

GeneDx
Classification: Uncertain significance. Last evaluated: 2025-06-24. Review status: criteria provided, single submitter. Criteria: GeneDx Variant Classification Process June 2021. Collection method: clinical testing. Allele origin: germline. Affected: yes.
Comment: In silico analysis suggests this variant may impact gene splicing. In the absence of RNA/functional studies, the actual effect of this sequence change is unknown; In silico analysis supports that this missense variant has a deleterious effect on protein structure/function; This variant is associated with the following publications: (PMID: 33046446, 33471991, 30283497, 32668560, 28050010, 20981092, 28051113, 32522261, 35534704, 33359728)

CeGaT Center for Human Genetics Tuebingen
Classification: Uncertain significance. Last evaluated: 2025-06-01. Review status: criteria provided, single submitter. Criteria: CeGaT Center For Human Genetics Tuebingen Variant Classification Criteria Version 2. Collection method: clinical testing. Allele origin: germline. Affected: yes. Observed: 1 variant allele.

Women's Health and Genetics/Laboratory Corporation of America, LabCorp
Classification: Likely benign. Last evaluated: 2023-02-25. Review status: criteria provided, single submitter. Criteria: LabCorp Variant Classification Summary - May 2015. Collection method: clinical testing. Allele origin: germline.

Quest Diagnostics Nichols Institute San Juan Capistrano
Classification: Likely benign. Last evaluated: 2022-11-23. Review status: criteria provided, single submitter. Criteria: Quest Diagnostics criteria. Collection method: clinical testing. Allele origin: unknown.

Department of Pathology and Laboratory Medicine, Sinai Health System
Classification: Uncertain significance for Nijmegen breakage syndrome-like disorder. Last evaluated: 2021-07-30. Review status: criteria provided, single submitter. Criteria: ACMG Guidelines, 2015. Collection method: research. Allele origin: germline.

Sema4
Classification: Likely benign for Nijmegen breakage syndrome-like disorder. Last evaluated: 2020-11-18. Review status: criteria provided, single submitter. Criteria: Sema4 Curation Guidelines. Collection method: curation. Allele origin: germline.

Ambry Genetics
Classification: Likely benign for Hereditary cancer-predisposing syndrome. Last evaluated: 2020-07-23. Review status: criteria provided, single submitter. Criteria: Ambry Variant Classification Scheme 2023. Collection method: clinical testing. Allele origin: germline.

Fulgent Genetics
Classification: Uncertain significance for Nijmegen breakage syndrome-like disorder. Last evaluated: 2018-10-31. Review status: criteria provided, single submitter. Criteria: ACMG Guidelines, 2015. Collection method: clinical testing. Allele origin: unknown.

PreventionGenetics, part of Exact Sciences
Classification: Likely benign for RAD50-related condition. Last evaluated: 2023-05-11. Review status: no assertion criteria provided. Collection method: clinical testing. Allele origin: germline. Not counted in ClinVar's aggregate classification.
Comment: This variant is classified as likely benign based on ACMG/AMP sequence variant interpretation guidelines (Richards et al. 2015 PMID: 25741868, with internal and published modifications).

Literature cited by the submitters: PubMed 28050010 (cited by Women's Health and Genetics/Laboratory Corporation of America, LabCorp); PubMed 28051113 (cited by 3 submitters); PubMed 33471991 (cited by Quest Diagnostics Nichols Institute San Juan Capistrano); PubMed 30283497 (cited by Quest Diagnostics Nichols Institute San Juan Capistrano and Ambry Genetics); PubMed 32522261 (cited by Quest Diagnostics Nichols Institute San Juan Capistrano); PubMed 20981092 (cited by Ambry Genetics).